The following is an entry in ClinVar:

NM_032382.5(COG8):c.5C>T (p.Ala2Val)

Gene: COG8 (component of oligomeric golgi complex 8; minus strand). Cytogenetic location: 16q22.1.
Variant type: single nucleotide variant.
Coding change: c.5C>T on transcript NM_032382.5 (MANE Select); coding-DNA position 5, C replaced by T.
Protein change: p.Ala2Val; replaces alanine 2 with valine.
Molecular consequence: missense variant.
Genome position (GRCh38, 1-based): chr16:69,339,548, G>A on the plus strand (C>T on the coding strand, the complement: COG8 is on the minus strand). VCF-style: chr16-69339548-G-A. GRCh37 (hg19) VCF-style: chr16-69373451-G-A.
Other names: c.5C>T, p.Ala2Val (NM_001374871.1, NM_001379261.1, NM_001379262.1 and 4 more transcripts); short protein forms A2V.
Identifiers: ClinVar variation 377233 (VCV000377233.58), dbSNP rs151318611, ClinGen allele CA8134088.

ClinVar aggregate classification (germline): Uncertain significance. Review status: criteria provided, multiple submitters, no conflicts (2 of 4 stars). 6 submissions from 6 submitters: Uncertain significance (6). Last evaluated 2026-01-22.

Conditions:
COG8-congenital disorder of glycosylation. Also called: COG8-CDG; CDG IIh. Identifiers: Orphanet 95428, MedGen C1970021, MONDO:0012635, OMIM 611182.

Allele frequency attached by ClinVar (database versions not stated): gnomAD exomes 0.00119 and 0.00083; 1000 Genomes Project 0.00040; 1000 Genomes Project 30x 0.00047; TOPMed 0.00070; gnomAD 0.00085 and 0.00089; ExAC 0.00088; ESP Exome Variant Server 0.00092.
gnomAD v4.1: 1,834 of 1,608,912 alleles (0.11%); highest among the groups gnomAD compares: Non-Finnish European, 0.14%; 4 homozygotes.

Submissions (7):

Labcorp Genetics (formerly Invitae), Labcorp
Classification: Uncertain significance for COG8-congenital disorder of glycosylation. Last evaluated: 2026-01-22. Review status: criteria provided, single submitter. Criteria: Invitae Variant Classification Sherloc (09022015). Collection method: clinical testing. Allele origin: germline.
Comment: This sequence change replaces alanine, which is neutral and non-polar, with valine, which is neutral and non-polar, at codon 2 of the COG8 protein (p.Ala2Val). This variant is present in population databases (rs151318611, gnomAD 0.2%), and has an allele count higher than expected for a pathogenic variant. This variant has not been reported in the literature in individuals affected with COG8-related conditions. ClinVar contains an entry for this variant (Variation ID: 377233). An algorithm developed to predict the effect of missense changes on protein structure and function (PolyPhen-2) suggests that this variant is likely to be tolerated. In summary, the available evidence is currently insufficient to determine the role of this variant in disease. Therefore, it has been classified as a Variant of Uncertain Significance.

Fulgent Genetics
Classification: Uncertain significance for COG8-congenital disorder of glycosylation. Last evaluated: 2018-10-31. Review status: criteria provided, single submitter. Criteria: ACMG Guidelines, 2015. Collection method: clinical testing. Allele origin: unknown.

Illumina Laboratory Services, Illumina
Classification: Uncertain significance for COG8-congenital disorder of glycosylation. Last evaluated: 2018-01-12. Review status: criteria provided, single submitter. Criteria: ICSL Variant Classification Criteria 13 December 2019. Collection method: clinical testing. Allele origin: germline.

CeGaT Center for Human Genetics Tuebingen
Classification: Uncertain significance. Last evaluated: 2017-05-01. Review status: criteria provided, single submitter. Criteria: CeGaT Center For Human Genetics Tuebingen Variant Classification Criteria Version 2. Collection method: clinical testing. Allele origin: germline. Affected: yes. Observed: 1 variant allele.

Center for Pediatric Genomic Medicine, Children's Mercy Hospital and Clinics
Classification: Uncertain significance. Last evaluated: 2016-10-31. Review status: criteria provided, single submitter. Criteria: ACMG Guidelines, 2015. Collection method: clinical testing. Allele origin: germline.
ClinVar note: Converted during submission from Uncertain Significance to Uncertain significance.

Breakthrough Genomics
Classification: Uncertain significance. Review status: criteria provided, single submitter. Criteria: ACMG Guidelines, 2015. Collection method: not provided. Allele origin: germline. Inheritance: Unknown mechanism. Affected: yes.

Dr. Peter K. Rogan Lab, Western University
No classification provided (evidence only). Condition: Cervical cancer. Review status: no classification provided. Collection method: in vitro. Allele origin: not applicable. Functional consequence: retained intron. Not counted in ClinVar's aggregate classification.